The following is an entry in ClinVar:

NM_018718.3(CEP41):c.423-2A>C

Gene: CEP41 (centrosomal protein 41; minus strand). Cytogenetic location: 7q32.2.
Variant type: single nucleotide variant.
Coding change: c.423-2A>C on transcript NM_018718.3 (MANE Select); the canonical splice acceptor site of the intron before coding-DNA position 423, A replaced by C.
Molecular consequence: splice acceptor variant.
Genome position (GRCh38, 1-based): chr7:130,402,801, T>G on the plus strand (A>C on the coding strand, the complement: CEP41 is on the minus strand). VCF-style: chr7-130402801-T-G. GRCh37 (hg19) VCF-style: chr7-130042642-T-G.
Other names: IVS6AS, A-C, -2; c.375-2A>C (NM_001257159.2); c.423-2A>C (NM_001257158.2).
Identifiers: ClinVar variation 30840 (VCV000030840.11), dbSNP rs781815473, ClinGen allele CA4485569.

ClinVar aggregate classification (germline): Pathogenic. Review status: criteria provided, multiple submitters, no conflicts (2 of 4 stars). 3 submissions from 3 submitters: Pathogenic (2). 1 of the submissions does not count toward it. Last evaluated 2024-08-24.

Conditions:
Joubert syndrome 15 (JBTS15). Identifiers: Orphanet 475, MedGen C3280897, MONDO:0013763, OMIM 614464.

Allele frequency attached by ClinVar (database versions not stated): ExAC 0.00001; TOPMed 0.00001.
gnomAD v4.1: 6 of 1,613,980 alleles (0.00037%); highest among the groups gnomAD compares: Admixed American, 0.0017%; no homozygotes.

Submissions (3):

Labcorp Genetics (formerly Invitae), Labcorp
Classification: Pathogenic for Joubert syndrome 15. Last evaluated: 2024-08-24. Review status: criteria provided, single submitter. Criteria: Invitae Variant Classification Sherloc (09022015). Collection method: clinical testing. Allele origin: germline.
Comment: This sequence change affects an acceptor splice site in intron 6 of the CEP41 gene. It is expected to disrupt RNA splicing. Variants that disrupt the donor or acceptor splice site typically lead to a loss of protein function (PMID: 16199547), and loss-of-function variants in CEP41 are known to be pathogenic (PMID: 22246503). This variant is present in population databases (rs781815473, gnomAD 0.003%). Disruption of this splice site has been observed in individual(s) with Joubert syndrome (PMID: 22246503). ClinVar contains an entry for this variant (Variation ID: 30840). Algorithms developed to predict the effect of sequence changes on RNA splicing suggest that this variant may disrupt the consensus splice site. For these reasons, this variant has been classified as Pathogenic.

Rady Children's Institute for Genomic Medicine, Rady Children's Hospital San Diego
Classification: Pathogenic for JOUBERT SYNDROME 15. Last evaluated: 2018-07-23. Review status: criteria provided, single submitter. Criteria: ACMG Guidelines, 2015. Collection method: clinical testing. Allele origin: germline. Affected: yes. Observed: 1 variant allele.
Comment: This variant affects the canonical splice acceptor site of intron 6 and is therefore predicted to interfere with splicing and result in loss of normal protein function. This variant has been previously reported as a homozygous change in a patient with Joubert Syndrome (PMID: 22246503). It is present in the heterozygous state in the gnomAD population database at 0.0008% (2/246208) and thus is presumed to be rare. In silico analyses support a deleterious effect of the c.423-2A>C variant on protein function. Based on the available evidence, the c.423-2A>C variant is classified as pathogenic.

OMIM
Classification: Pathogenic for JOUBERT SYNDROME 15. Last evaluated: 2012-01-15. Review status: no assertion criteria provided. Collection method: literature only. Allele origin: germline. Not counted in ClinVar's aggregate classification.

Literature cited by the submitters: PubMed 16199547 (cited by Labcorp Genetics (formerly Invitae), Labcorp); PubMed 22246503 (cited by Labcorp Genetics (formerly Invitae), Labcorp and OMIM).